The following is an entry in ClinVar:

NM_177438.3(DICER1):c.4499A>G (p.Asp1500Gly)

Gene: DICER1 (dicer 1, ribonuclease III; minus strand). Cytogenetic location: 14q32.13.
Variant type: single nucleotide variant.
Coding change: c.4499A>G on transcript NM_177438.3 (MANE Select); coding-DNA position 4499, A replaced by G.
Protein change: p.Asp1500Gly; replaces aspartic acid 1500 with glycine.
Molecular consequence: missense variant. On other transcripts: non-coding transcript variant (6).
Genome position (GRCh38, 1-based): chr14:95,096,421, T>C on the plus strand (A>G on the coding strand, the complement: DICER1 is on the minus strand). VCF-style: chr14-95096421-T-C. GRCh37 (hg19) VCF-style: chr14-95562758-T-C.
Other names: c.4499A>G, p.Asp1500Gly (NM_001195573.1, NM_001271282.3, NM_001291628.2 and 12 more transcripts); c.4217A>G, p.Asp1406Gly (NM_001395686.1); c.4094A>G, p.Asp1365Gly (NM_001395687.1, NM_001395688.1, NM_001395689.1 and 2 more transcripts); c.3932A>G, p.Asp1311Gly (NM_001395691.1); c.2816A>G, p.Asp939Gly (NM_001395697.1); short protein forms D1365G, D1311G, D1406G, D939G, D1500G.
Identifiers: ClinVar variation 5035259 (VCV005035259.1).

ClinVar aggregate classification (germline): Uncertain significance (1 of 4 stars; one submission).

Conditions:
Hereditary cancer-predisposing syndrome. Also called: Hereditary Cancer Syndrome; Neoplastic Syndromes, Hereditary; Tumor predisposition; Hereditary neoplastic syndrome. Identifiers: Orphanet 140162, MedGen C0027672, MeSH D009386, MONDO:0015356.

Submission:

Ambry Genetics
Classification: Uncertain significance for Hereditary cancer-predisposing syndrome. Last evaluated: 2026-07-07. Review status: criteria provided, single submitter. Criteria: Ambry Variant Classification Scheme 2023. Collection method: clinical testing. Allele origin: germline.
Comment: The p.D1500G variant (also known as c.4499A>G), located in coding exon 22 of the DICER1 gene, results from an A to G substitution at nucleotide position 4499. The aspartic acid at codon 1500 is replaced by glycine, an amino acid with similar properties. This amino acid position is conserved. In addition, the in silico prediction for this alteration is inconclusive. Based on the available evidence, the clinical significance of this variant remains unclear.